The following is an entry in ClinVar:

NM_001556.3(IKBKB):c.1675A>G (p.Thr559Ala)

Gene: IKBKB (inhibitor of nuclear factor kappa B kinase subunit beta; plus strand). Cytogenetic location: 8p11.21.
Variant type: single nucleotide variant.
Coding change: c.1675A>G on transcript NM_001556.3 (MANE Select); coding-DNA position 1675, A replaced by G.
Protein change: p.Thr559Ala; replaces threonine 559 with alanine.
Molecular consequence: missense variant. On other transcripts: non-coding transcript variant (3).
Genome position (GRCh38, 1-based): chr8:42,320,831, A>G. VCF-style: chr8-42320831-A-G. GRCh37 (hg19) VCF-style: chr8-42178349-A-G.
Other names: c.1483A>G, p.Thr495Ala (NM_001190720.3); c.1498A>G, p.Thr500Ala (NM_001242778.2); short protein forms T559A, T500A, T495A.
Identifiers: ClinVar variation 2046341 (VCV002046341.4), dbSNP rs1182623073, ClinGen allele CA371091378.

ClinVar aggregate classification (germline): Uncertain significance. Review status: criteria provided, multiple submitters, no conflicts (2 of 4 stars). 3 submissions from 3 submitters: Uncertain significance (3). Last evaluated 2025-11-25.

Conditions:
Severe combined immunodeficiency due to IKK2 deficiency. Also called: Immunodeficiency 15; IMMUNODEFICIENCY 15B. Identifiers: Orphanet 397787, MedGen C4747743, MONDO:0014267, OMIM 615592.
Inborn genetic diseases. Identifiers: MedGen C0950123, MeSH D030342.

Allele frequency attached by ClinVar (database versions not stated): gnomAD 0.00002; TOPMed 0.00002.
gnomAD v4.1: 12 of 1,592,774 alleles (0.00075%); highest among the groups gnomAD compares: Admixed American, 0.01%; no homozygotes.

Submissions (3):

Labcorp Genetics (formerly Invitae), Labcorp
Classification: Uncertain significance for Severe combined immunodeficiency due to IKK2 deficiency. Last evaluated: 2025-11-25. Review status: criteria provided, single submitter. Criteria: Invitae Variant Classification Sherloc (09022015). Collection method: clinical testing. Allele origin: germline.
Comment: This sequence change replaces threonine, which is neutral and polar, with alanine, which is neutral and non-polar, at codon 559 of the IKBKB protein (p.Thr559Ala). This variant is present in population databases (no rsID available, gnomAD 0.01%). This variant has not been reported in the literature in individuals affected with IKBKB-related conditions. ClinVar contains an entry for this variant (Variation ID: 2046341). Invitae Evidence Modeling of protein sequence and biophysical properties (such as structural, functional, and spatial information, amino acid conservation, physicochemical variation, residue mobility, and thermodynamic stability) indicates that this missense variant is not expected to disrupt IKBKB protein function with a negative predictive value of 95%. In summary, the available evidence is currently insufficient to determine the role of this variant in disease. Therefore, it has been classified as a Variant of Uncertain Significance.

Ambry Genetics
Classification: Uncertain significance for Inborn genetic diseases. Last evaluated: 2022-12-28. Review status: criteria provided, single submitter. Criteria: Ambry Variant Classification Scheme 2023. Collection method: clinical testing. Allele origin: germline.

Blueprint Genetics
Classification: Uncertain significance. Last evaluated: 2022-08-11. Review status: criteria provided, single submitter. Criteria: ACMG Guidelines, 2015. Collection method: clinical testing. Allele origin: germline.